The following is an entry in ClinVar:

NM_004522.3(KIF5C):c.167A>G (p.Asn56Ser)

Genes: KIF5C (kinesin family member 5C; plus strand), LOC101928553 (uncharacterized LOC101928553; minus strand). Cytogenetic location: 2q23.1.
Variant type: single nucleotide variant.
Coding change: c.167A>G on transcript NM_004522.3 (MANE Select); coding-DNA position 167, A replaced by G.
Protein change: p.Asn56Ser; replaces asparagine 56 with serine.
Molecular consequence: missense variant.
Genome position (GRCh38, 1-based): chr2:148,922,177, A>G. VCF-style: chr2-148922177-A-G. GRCh37 (hg19) VCF-style: chr2-149679746-A-G.
Other names: short protein forms N56S.
Identifiers: ClinVar variation 4987802 (VCV004987802.1).
Genomic context (GRCh38, chr2:148,922,177, plus strand): 5'-CCTTTGTCTTTCTTTTTTAGCAAGGGAAGCCATATGTCTTCGACAGAGTGCTACCTCCCA[A>G]CACGACCCAAGAGCAGGTTTACAATGCATGTGCGAAGCAAATTGTCAAAGGTAAGTGCTA-3'
Protein context (NP_004513.1, residues 46-66): PYVFDRVLPP[Asn56Ser]TTQEQVYNAC

ClinVar aggregate classification (germline): Uncertain significance (1 of 4 stars; one submission).

Conditions:
KIF5C-related disorder. Also called: KIF5C-related condition.

gnomAD v4.1: 2 of 1,613,420 alleles (0.00012%); highest among the groups gnomAD compares: African/African-American, 0.0013%; no homozygotes.

Submission:

PreventionGenetics, part of Exact Sciences
Classification: Uncertain significance for KIF5C-related condition. Last evaluated: 2025-04-12. Review status: criteria provided, single submitter. Criteria: ACMG Guidelines, 2015. Collection method: clinical testing. Allele origin: germline.
Comment: The KIF5C c.167A>G variant is predicted to result in the amino acid substitution p.Asn56Ser. To our knowledge, this variant has not been reported in the literature or in a large population database (gnomAD), indicating it is rare. At this time, the clinical significance of this variant is uncertain due to the absence of conclusive functional and genetic evidence.